The following is an entry in ClinVar:

NM_001048174.2(MUTYH):c.884T>A (p.Leu295Gln)

Gene: MUTYH (mutY DNA glycosylase; minus strand). Cytogenetic location: 1p34.1.
Variant type: single nucleotide variant.
Coding change: c.884T>A on transcript NM_001048174.2 (MANE Select); coding-DNA position 884, T replaced by A.
Protein change: p.Leu295Gln; replaces leucine 295 with glutamine.
Molecular consequence: missense variant. On other transcripts: non-coding transcript variant (7).
Genome position (GRCh38, 1-based): chr1:45,332,052, A>T on the plus strand (T>A on the coding strand, the complement: MUTYH is on the minus strand). VCF-style: chr1-45332052-A-T. GRCh37 (hg19) VCF-style: chr1-45797724-A-T.
Other names: c.884T>A, p.Leu295Gln (NM_001048171.2, NM_001048173.2, NM_001293195.2 and 6 more transcripts); c.887T>A, p.Leu296Gln (NM_001048172.2, NM_001407071.1, NM_001407078.1 and 1 more transcripts); c.968T>A, p.Leu323Gln (NM_001128425.2); c.929T>A, p.Leu310Gln (NM_001293190.2); c.917T>A, p.Leu306Gln (NM_001293191.2, NM_001407069.1, NM_001407077.1); c.608T>A, p.Leu203Gln (NM_001293192.2, NM_001293196.2, NM_001407091.1); c.539T>A, p.Leu180Gln (NM_001350650.2, NM_001350651.2, NM_001407082.1); c.800T>A, p.Leu267Gln (NM_001407075.1); and 5 more; short protein forms L180Q, L295Q, L320Q, L323Q, L267Q, L282Q, L302Q, L306Q.
Identifiers: ClinVar variation 4113966 (VCV004113966.1).

ClinVar aggregate classification (germline): Uncertain significance (1 of 4 stars; one submission).

Conditions:
Hereditary cancer-predisposing syndrome. Also called: Hereditary neoplastic syndrome; Neoplastic Syndromes, Hereditary; Tumor predisposition; Hereditary Cancer Syndrome. Identifiers: Orphanet 140162, MedGen C0027672, MeSH D009386, MONDO:0015356.

Submission:

Ambry Genetics
Classification: Uncertain significance for Hereditary cancer-predisposing syndrome. Last evaluated: 2025-08-27. Review status: criteria provided, single submitter. Criteria: Ambry Variant Classification Scheme 2023. Collection method: clinical testing. Allele origin: germline.
Comment: The p.L323Q variant (also known as c.968T>A), located in coding exon 11 of the MUTYH gene, results from a T to A substitution at nucleotide position 968. The leucine at codon 323 is replaced by glutamine, an amino acid with dissimilar properties. This amino acid position is conserved. In addition, this alteration is predicted to be tolerated by in silico analysis. Based on the available evidence, the clinical significance of this variant remains unclear.